The following is an entry in ClinVar:

ClinVar aggregate classification (germline): Uncertain significance (1 of 4 stars; one submission).

Conditions:
Hereditary cancer-predisposing syndrome. Also called: Tumor predisposition; Hereditary Cancer Syndrome; Hereditary neoplastic syndrome; Neoplastic Syndromes, Hereditary. Identifiers: Orphanet 140162, MedGen C0027672, MeSH D009386, MONDO:0015356.

Submission:

Ambry Genetics
Classification: Uncertain significance for Hereditary cancer-predisposing syndrome. Last evaluated: 2025-11-06. Review status: criteria provided, single submitter. Criteria: Ambry Variant Classification Scheme 2023. Collection method: clinical testing. Allele origin: germline.
Comment: The p.V125A variant (also known as c.374T>C), located in coding exon 3 of the RET gene, results from a T to C substitution at nucleotide position 374. The valine at codon 125 is replaced by alanine, an amino acid with similar properties. This amino acid position is highly conserved in available vertebrate species. In addition, the in silico prediction for this alteration is inconclusive. Based on the available evidence, the clinical significance of this variant remains unclear.

NM_020975.6(RET):c.374T>C (p.Val125Ala)

Gene: RET (ret proto-oncogene; plus strand). Cytogenetic location: 10q11.21.
Variant type: single nucleotide variant.
Coding change: c.374T>C on transcript NM_020975.6 (MANE Select); coding-DNA position 374, T replaced by C.
Protein change: p.Val125Ala; replaces valine 125 with alanine.
Molecular consequence: missense variant. On other transcripts: intron variant (22).
Genome position (GRCh38, 1-based): chr10:43,102,378, T>C. VCF-style: chr10-43102378-T-C. GRCh37 (hg19) VCF-style: chr10-43597826-T-C.
Other names: c.374T>C, p.Val125Ala (NM_001406743.1, NM_001406744.1, NM_001406759.1 and 14 more transcripts); c.338-93T>C (NM_001406764.1, NM_001406762.1, NM_001406761.1 and 4 more transcripts); c.337+1656T>C (NM_001406770.1, NM_001406766.1, NM_001406767.1 and 8 more transcripts); c.74-6653T>C (NM_001406784.1); c.74-9721T>C (NM_001406794.1, NM_001406792.1, NM_001406793.1); short protein forms V125A.
Identifiers: ClinVar variation 4545539 (VCV004545539.1).
Genomic context (GRCh38, chr10:43,102,378, plus strand): 5'-CACAGACCTGACTTCTCTCTGCAGACCGCGGCTTTCCCCTGCTCACCGTCTACCTCAAGG[T>C]CTTCCTGTCACCCACATCCCTTCGTGAGGGCGAGTGCCAGTGGCCAGGCTGTGCCCGCGT-3'
Protein context (NP_066124.1, residues 115-135): GFPLLTVYLK[Val125Ala]FLSPTSLREG